The following is an entry in ClinVar:

NM_001007527.2(LMBRD2):c.82A>G (p.Lys28Glu)

Gene: LMBRD2 (LMBR1 domain containing 2; minus strand). Cytogenetic location: 5p13.2.
Variant type: single nucleotide variant.
Coding change: c.82A>G on transcript NM_001007527.2 (MANE Select); coding-DNA position 82, A replaced by G.
Protein change: p.Lys28Glu; replaces lysine 28 with glutamic acid.
Molecular consequence: missense variant.
Genome position (GRCh38, 1-based): chr5:36,143,268, T>C on the plus strand (A>G on the coding strand, the complement: LMBRD2 is on the minus strand). VCF-style: chr5-36143268-T-C. GRCh37 (hg19) VCF-style: chr5-36143370-T-C.
Other names: short protein forms K28E.
Identifiers: ClinVar variation 2673009 (VCV002673009.23), dbSNP rs146504133, ClinGen allele CA3233959.

ClinVar aggregate classification (germline): Likely benign (1 of 4 stars; one submission).

Allele frequency attached by ClinVar (database versions not stated): ESP Exome Variant Server 0.00038; TOPMed 0.00038; gnomAD 0.00040; gnomAD exomes 0.00044; 1000 Genomes Project 30x 0.00047; 1000 Genomes Project 0.00060; ExAC 0.00065.
gnomAD v4.1: 737 of 1,612,942 alleles (0.046%); highest among the groups gnomAD compares: Middle Eastern, 0.78%; 8 homozygotes.

Submission:

CeGaT Center for Human Genetics Tuebingen
Classification: Likely benign. Last evaluated: 2025-12-01. Review status: criteria provided, single submitter. Criteria: CeGaT Center For Human Genetics Tuebingen Variant Classification Criteria Version 2. Collection method: clinical testing. Allele origin: germline. Affected: yes. Observed: 4 variant alleles.
Comment: LMBRD2: BS2